The following is an entry in ClinVar:

ClinVar aggregate classification (germline): Uncertain significance (1 of 4 stars; one submission).

Submission:

CeGaT Center for Human Genetics Tuebingen
Classification: Uncertain significance. Last evaluated: 2025-05-01. Review status: criteria provided, single submitter. Criteria: CeGaT Center For Human Genetics Tuebingen Variant Classification Criteria Version 2. Collection method: clinical testing. Allele origin: germline. Affected: yes. Observed: 1 variant allele.
Comment: RNU4-2: PM2

NR_003137.3(RNU4-2):n.105A>T

Genes: RNU4-2 (RNA, U4 small nuclear 2; minus strand), SIRT4 (sirtuin 4; plus strand). Cytogenetic location: 12q24.23.
Variant type: single nucleotide variant.
Molecular consequence: non-coding transcript variant (on NR_003137.3).
Genome position: GRCh38 VCF-style: chr12-120291799-T-A. GRCh37 (hg19) VCF-style: chr12-120729602-T-A.
Identifiers: ClinVar variation 3905800 (VCV003905800.10).